The following is an entry in ClinVar:

NM_001365951.3(KIF1B):c.3886G>C (p.Val1296Leu)

Gene: KIF1B (kinesin family member 1B; plus strand). Cytogenetic location: 1p36.22.
Variant type: single nucleotide variant.
Coding change: c.3886G>C on transcript NM_001365951.3 (MANE Select); coding-DNA position 3886, G replaced by C.
Protein change: p.Val1296Leu; replaces valine 1296 with leucine.
Molecular consequence: missense variant.
Genome position (GRCh38, 1-based): chr1:10,348,670, G>C. VCF-style: chr1-10348670-G-C. GRCh37 (hg19) VCF-style: chr1-10408728-G-C.
Other names: c.3886G>C, p.Val1296Leu (NM_001365952.1); c.3748G>C, p.Val1250Leu (NM_015074.3); short protein forms V1296L, V1250L.
Identifiers: ClinVar variation 1734527 (VCV001734527.6), dbSNP rs745760971, ClinGen allele CA581916.

ClinVar aggregate classification (germline): Uncertain significance. Review status: criteria provided, multiple submitters, no conflicts (2 of 4 stars). 3 submissions from 3 submitters: Uncertain significance (3). Last evaluated 2024-02-07.

Conditions:
Neuroblastoma, susceptibility to, 1. Identifiers: MedGen C2749485, MONDO:0009741, OMIM 256700.
Charcot-Marie-Tooth disease type 2A1. Also called: CHARCOT-MARIE-TOOTH DISEASE, AXONAL, TYPE 2A1; CHARCOT-MARIE-TOOTH DISEASE, AXONAL, AUTOSOMAL DOMINANT, TYPE 2A1; CHARCOT-MARIE-TOOTH DISEASE, NEURONAL, TYPE 2A1; CHARCOT-MARIE-TOOTH NEUROPATHY, TYPE 2A1; HEREDITARY MOTOR AND SENSORY NEUROPATHY IIA1. Identifiers: Orphanet 99946, MedGen C1861678, MONDO:0007308, OMIM 118210.
Charcot-Marie-Tooth disease type 2. Also called: Charcot-Marie-Tooth type 2. Identifiers: Orphanet 64746, MedGen C0270914, MONDO:0018993.

Allele frequency attached by ClinVar (database versions not stated): gnomAD 0.00001; ExAC 0.00002; gnomAD exomes 0.00001.
gnomAD v4.1: 8 of 1,614,056 alleles (0.0005%); highest among the groups gnomAD compares: South Asian, 0.0088%; no homozygotes.

Submissions (3):

Fulgent Genetics
Classification: Uncertain significance for Charcot-Marie-Tooth disease type 2A1; Neuroblastoma, susceptibility to, 1. Last evaluated: 2024-02-07. Review status: criteria provided, single submitter. Criteria: ACMG Guidelines, 2015. Collection method: clinical testing. Allele origin: germline.

Labcorp Genetics (formerly Invitae), Labcorp
Classification: Uncertain significance for Charcot-Marie-Tooth disease type 2. Last evaluated: 2023-02-04. Review status: criteria provided, single submitter. Criteria: Invitae Variant Classification Sherloc (09022015). Collection method: clinical testing. Allele origin: germline.
Comment: In summary, the available evidence is currently insufficient to determine the role of this variant in disease. Therefore, it has been classified as a Variant of Uncertain Significance. Algorithms developed to predict the effect of missense changes on protein structure and function (SIFT, PolyPhen-2, Align-GVGD) all suggest that this variant is likely to be tolerated. ClinVar contains an entry for this variant (Variation ID: 1734527). This variant has not been reported in the literature in individuals affected with KIF1B-related conditions. This variant is present in population databases (rs745760971, gnomAD 0.01%). This sequence change replaces valine, which is neutral and non-polar, with leucine, which is neutral and non-polar, at codon 1250 of the KIF1B protein (p.Val1250Leu).

Ambry Genetics
Classification: Uncertain significance. Last evaluated: 2022-08-15. Review status: criteria provided, single submitter. Criteria: Ambry Variant Classification Scheme 2023. Collection method: clinical testing. Allele origin: germline.
Comment: The p.V1250L variant (also known as c.3748G>C), located in coding exon 34 of the KIF1B gene, results from a G to C substitution at nucleotide position 3748. The valine at codon 1250 is replaced by leucine, an amino acid with highly similar properties. This amino acid position is conserved. In addition, the in silico prediction for this alteration is inconclusive. Since supporting evidence is limited at this time, the clinical significance of this alteration remains unclear.